The following is an entry in ClinVar:

ClinVar aggregate classification (germline): Uncertain significance. Review status: criteria provided, multiple submitters, no conflicts (2 of 4 stars). 2 submissions from 2 submitters: Uncertain significance (2). Last evaluated 2026-09-10.

Conditions:
Cardiovascular phenotype. Identifiers: MedGen CN230736.
Hereditary cancer-predisposing syndrome. Also called: Hereditary Cancer Syndrome; Hereditary neoplastic syndrome; Neoplastic Syndromes, Hereditary; Tumor predisposition. Identifiers: Orphanet 140162, MedGen C0027672, MeSH D009386, MONDO:0015356.

Allele frequency attached by ClinVar (database versions not stated): TOPMed 0.00002; gnomAD 0.00001; gnomAD exomes 0.00001.
gnomAD v4.1: 20 of 1,613,302 alleles (0.0012%); highest among the groups gnomAD compares: Non-Finnish European, 0.0017%; no homozygotes.

Submissions (2):

Ambry Genetics
Classification: Uncertain significance for Cardiovascular phenotype; Hereditary cancer-predisposing syndrome. Last evaluated: 2026-09-10. Review status: criteria provided, single submitter. Criteria: Ambry Variant Classification Scheme 2023. Collection method: clinical testing. Allele origin: germline.

Labcorp Genetics (formerly Invitae), Labcorp
Classification: Uncertain significance. Last evaluated: 2025-11-22. Review status: criteria provided, single submitter. Criteria: Invitae Variant Classification Sherloc (09022015). Collection method: clinical testing. Allele origin: germline.
Comment: This sequence change replaces aspartic acid, which is acidic and polar, with alanine, which is neutral and non-polar, at codon 822 of the LZTR1 protein (p.Asp822Ala). This variant is present in population databases (no rsID available, gnomAD 0.0009%). This variant has not been reported in the literature in individuals affected with LZTR1-related conditions. ClinVar contains an entry for this variant (Variation ID: 1791675). Invitae Evidence Modeling of protein sequence and biophysical properties (such as structural, functional, and spatial information, amino acid conservation, physicochemical variation, residue mobility, and thermodynamic stability) indicates that this missense variant is not expected to disrupt LZTR1 protein function with a negative predictive value of 80%. In summary, the available evidence is currently insufficient to determine the role of this variant in disease. Therefore, it has been classified as a Variant of Uncertain Significance.

NM_006767.4(LZTR1):c.2465A>C (p.Asp822Ala)

Gene: LZTR1 (leucine zipper like post translational regulator 1; plus strand). Cytogenetic location: 22q11.21.
Variant type: single nucleotide variant.
Coding change: c.2465A>C on transcript NM_006767.4 (MANE Select); coding-DNA position 2465, A replaced by C.
Protein change: p.Asp822Ala; replaces aspartic acid 822 with alanine.
Molecular consequence: missense variant.
Genome position (GRCh38, 1-based): chr22:20,997,290, A>C. VCF-style: chr22-20997290-A-C. GRCh37 (hg19) VCF-style: chr22-21351579-A-C.
Other names: short protein forms D822A.
Identifiers: ClinVar variation 1791675 (VCV001791675.7), dbSNP rs1440272435, ClinGen allele CA410781729.